The following is an entry in ClinVar:

NM_002095.6(GTF2E2):c.759+4C>T

Gene: GTF2E2 (general transcription factor IIE subunit 2; minus strand). Cytogenetic location: 8p12.
Variant type: single nucleotide variant.
Coding change: c.759+4C>T on transcript NM_002095.6 (MANE Select); 4 bases into the intron after coding-DNA position 759, C replaced by T.
Molecular consequence: intron variant.
Genome position (GRCh38, 1-based): chr8:30,580,277, G>A on the plus strand (C>T on the coding strand, the complement: GTF2E2 is on the minus strand). VCF-style: chr8-30580277-G-A. GRCh37 (hg19) VCF-style: chr8-30437794-G-A.
Identifiers: ClinVar variation 2173742 (VCV002173742.1), dbSNP rs569314584, ClinGen allele CA4700878.
Genomic context (GRCh38, chr8:30,580,277, plus strand): 5'-AAAGCGGAGCAGGCTAACAGTTCCCAGGGCAGGGGATTAAGCTGCTTTGCTAGAGATTAC[G>A]CACCACTTTCTTTGGTCCAGATTCCTGCATGGAAGAAATACCCTGTCGCTTCAGATATTC-3'

ClinVar aggregate classification (germline): Uncertain significance (1 of 4 stars; one submission).

Allele frequency attached by ClinVar (database versions not stated): gnomAD 0.00002; 1000 Genomes Project 30x 0.00016; 1000 Genomes Project 0.00020.
gnomAD v4.1: 146 of 1,492,304 alleles (0.0098%); highest among the groups gnomAD compares: Non-Finnish European, 0.013%; no homozygotes.

Submission:

Labcorp Genetics (formerly Invitae), Labcorp
Classification: Uncertain significance. Last evaluated: 2022-06-24. Review status: criteria provided, single submitter. Criteria: Invitae Variant Classification Sherloc (09022015). Collection method: clinical testing. Allele origin: germline.
Comment: This sequence change falls in intron 7 of the GTF2E2 gene. It does not directly change the encoded amino acid sequence of the GTF2E2 protein. It affects a nucleotide within the consensus splice site. This variant is present in population databases (rs569314584, gnomAD 0.007%). This variant has not been reported in the literature in individuals affected with GTF2E2-related conditions. Variants that disrupt the consensus splice site are a relatively common cause of aberrant splicing (PMID: 17576681, 9536098). Algorithms developed to predict the effect of sequence changes on RNA splicing suggest that this variant may create or strengthen a splice site. In summary, the available evidence is currently insufficient to determine the role of this variant in disease. Therefore, it has been classified as a Variant of Uncertain Significance.

Literature cited by the submitters: PubMed 17576681; PubMed 9536098.